The following is an entry in ClinVar:

ClinVar aggregate classification (germline): Conflicting classifications of pathogenicity. Review status: criteria provided, conflicting classifications (1 of 4 stars). 2 submissions from 2 submitters: Likely pathogenic (1); Uncertain significance (1). Last evaluated 2025-07-28.

Conditions:
Rare genetic deafness. Identifiers: Orphanet 96210, MedGen C5680250.

Allele frequency attached by ClinVar (database versions not stated): TOPMed below 0.00001.

Submissions (2):

Women's Health and Genetics/Laboratory Corporation of America, LabCorp
Classification: Uncertain significance. Last evaluated: 2025-07-28. Review status: criteria provided, single submitter. Criteria: LabCorp Variant Classification Summary - May 2015. Collection method: clinical testing. Allele origin: germline.
Comment: Variant summary: COL11A2 c.4943A>T (p.His1648Leu) results in a non-conservative amino acid change in the encoded protein sequence. Algorithms developed to predict the effect of missense changes on protein structure and function are either unavailable or do not agree on the potential impact of this missense change. The frequency data for this variant in gnomAD is considered unreliable, as metrics indicate poor data quality at this position. To our knowledge, no occurrence of c.4943A>T in individuals affected with Otospondylomegaepiphyseal Dysplasia and no experimental evidence demonstrating its impact on protein function have been reported. ClinVar contains an entry for this variant (Variation ID: 506216). Based on the evidence outlined above, the variant was classified as uncertain significance.

Laboratory for Molecular Medicine, Mass General Brigham Personalized Medicine
Classification: Likely pathogenic for Rare genetic deafness. Last evaluated: 2020-06-08. Review status: criteria provided, single submitter. Criteria: LMM Criteria. Collection method: clinical testing. Allele origin: germline. Inheritance: Autosomal recessive inheritance. Observed: 4 variant alleles.
Comment: None of the affected individuals harboring this variant were reported to have clinical features of Stickler or OSMED syndrome. The p.His1648Leu variant was absent from large population studies. Computational prediction tools and conservation analyses suggest that this variant may impact the protein, though this information is not predictive enough to determine pathogenicity. In summary, although additional studies are required to fully establish its clinical significance, this variant meets criteria to be classified as likely pathogenic for autosomal recessive hearing loss. ACMG/AMP Criteria applied: PM2, PM3, PP3, PP1.

NM_080680.3(COL11A2):c.4943A>T (p.His1648Leu)

Gene: COL11A2 (collagen type XI alpha 2 chain; minus strand). Cytogenetic location: 6p21.32.
Variant type: single nucleotide variant.
Coding change: c.4943A>T on transcript NM_080680.3 (MANE Select); coding-DNA position 4943, A replaced by T.
Protein change: p.His1648Leu; replaces histidine 1648 with leucine.
Molecular consequence: missense variant.
Genome position (GRCh38, 1-based): chr6:33,164,394, T>A on the plus strand (A>T on the coding strand, the complement: COL11A2 is on the minus strand). VCF-style: chr6-33164394-T-A. GRCh37 (hg19) VCF-style: chr6-33132171-T-A.
Other names: c.4622A>T, p.His1541Leu (NM_080679.3); c.4685A>T, p.His1562Leu (NM_080681.3); short protein forms H1648L, H1541L, H1562L.
Identifiers: ClinVar variation 506216 (VCV000506216.6), dbSNP rs1487325262, ClinGen allele CA363616329.